The following is an entry in ClinVar:

NM_001040108.2(MLH3):c.2495T>C (p.Phe832Ser)

Gene: MLH3 (mutL homolog 3; minus strand). Cytogenetic location: 14q24.3.
Variant type: single nucleotide variant.
Coding change: c.2495T>C on transcript NM_001040108.2 (MANE Select); coding-DNA position 2495, T replaced by C.
Protein change: p.Phe832Ser; replaces phenylalanine 832 with serine.
Molecular consequence: missense variant.
Genome position (GRCh38, 1-based): chr14:75,047,161, A>G on the plus strand (T>C on the coding strand, the complement: MLH3 is on the minus strand). VCF-style: chr14-75047161-A-G. GRCh37 (hg19) VCF-style: chr14-75513864-A-G.
Other names: c.2495T>C, p.Phe832Ser (NM_014381.3); short protein forms F832S.
Identifiers: ClinVar variation 1792128 (VCV001792128.6), dbSNP rs1034272959, ClinGen allele CA263648235.

ClinVar aggregate classification (germline): Uncertain significance. Review status: criteria provided, multiple submitters, no conflicts (2 of 4 stars). 2 submissions from 2 submitters: Uncertain significance (2). Last evaluated 2025-04-29.

Conditions:
Colorectal cancer, hereditary nonpolyposis, type 7. Identifiers: Orphanet 144, MedGen C1858380, MONDO:0013725, OMIM 614385.

Allele frequency attached by ClinVar (database versions not stated): gnomAD exomes below 0.00001.
gnomAD v4.1: 1 of 1,614,138 alleles (0.000062%); highest among the groups gnomAD compares: Non-Finnish European, 0.000085%; no homozygotes.

Submissions (2):

Ambry Genetics
Classification: Uncertain significance. Last evaluated: 2025-04-29. Review status: criteria provided, single submitter. Criteria: Ambry Variant Classification Scheme 2023. Collection method: clinical testing. Allele origin: germline.
Comment: The p.F832S variant (also known as c.2495T>C), located in coding exon 1 of the MLH3 gene, results from a T to C substitution at nucleotide position 2495. The phenylalanine at codon 832 is replaced by serine, an amino acid with highly dissimilar properties. This amino acid position is conserved. In addition, this alteration is predicted to be tolerated by in silico analysis. Since supporting evidence is limited at this time, the clinical significance of this alteration remains unclear.

Labcorp Genetics (formerly Invitae), Labcorp
Classification: Uncertain significance for Colorectal cancer, hereditary nonpolyposis, type 7. Last evaluated: 2023-02-14. Review status: criteria provided, single submitter. Criteria: Invitae Variant Classification Sherloc (09022015). Collection method: clinical testing. Allele origin: germline.
Comment: ClinVar contains an entry for this variant (Variation ID: 1792128). This variant has not been reported in the literature in individuals affected with MLH3-related conditions. This variant is not present in population databases (gnomAD no frequency). This sequence change replaces phenylalanine, which is neutral and non-polar, with serine, which is neutral and polar, at codon 832 of the MLH3 protein (p.Phe832Ser). In summary, the available evidence is currently insufficient to determine the role of this variant in disease. Therefore, it has been classified as a Variant of Uncertain Significance. Algorithms developed to predict the effect of missense changes on protein structure and function are either unavailable or do not agree on the potential impact of this missense change (SIFT: "Deleterious"; PolyPhen-2: "Benign"; Align-GVGD: "Class C0").